The following is an entry in ClinVar:

ClinVar aggregate classification (germline): Uncertain significance. Review status: criteria provided, multiple submitters, no conflicts (2 of 4 stars). 2 submissions from 2 submitters: Uncertain significance (2). Last evaluated 2021-06-29.

Conditions:
Autosomal recessive limb-girdle muscular dystrophy type 2J (LGMDR10). Also called: MUSCULAR DYSTROPHY, LIMB-GIRDLE, AUTOSOMAL RECESSIVE 10; Limb-girdle muscular dystrophy, type 2J. Identifiers: Orphanet 140922, MedGen C1837342, MONDO:0012127, OMIM 608807.
Dilated cardiomyopathy 1G (CMD1G). Identifiers: Orphanet 154, MedGen C1858763, MONDO:0011400, OMIM 604145.

Allele frequency attached by ClinVar (database versions not stated): gnomAD exomes 0.00001 and 0.00002; TOPMed 0.00001.

Submissions (2):

Blueprint Genetics
Classification: Uncertain significance. Last evaluated: 2021-06-29. Review status: criteria provided, single submitter. Criteria: ACMG Guidelines, 2015. Collection method: clinical testing. Allele origin: germline.

Labcorp Genetics (formerly Invitae), Labcorp
Classification: Uncertain significance for Dilated cardiomyopathy 1G; Autosomal recessive limb-girdle muscular dystrophy type 2J. Last evaluated: 2017-07-31. Review status: criteria provided, single submitter. Criteria: Invitae Variant Classification Sherloc (09022015). Collection method: clinical testing. Allele origin: germline.
Comment: This sequence change replaces alanine with aspartic acid at codon 34941 of the TTN protein (p.Ala34941Asp). The alanine residue is moderately conserved and there is a moderate physicochemical difference between alanine and aspartic acid. This variant is not present in population databases (ExAC no frequency). This variant has not been reported in the literature in individuals with TTN-related disease. This variant identified in the TTN gene is located in the M band of the resulting protein (PMID: 25589632). It is unclear how this variant impacts the function of this protein. Algorithms developed to predict the effect of missense changes on protein structure and function are unavailable for the TTN gene. In summary, this variant is a novel missense change with unknown impact on protein function. Missense variants in this region of the TTN gene are typically not causative for cardiac disease, but may be relevant for neuromuscular disorders. However, the available evidence is currently insufficient to determine this variant‚Äôs role in disease. Therefore, it has been classified as a Variant of Uncertain Significance

Literature cited by the submitters: PubMed 25589632 (cited by Labcorp Genetics (formerly Invitae), Labcorp).

NM_001267550.2(TTN):c.104822C>A (p.Ala34941Asp)

Genes: TTN (titin; minus strand), TTN-AS1 (TTN antisense RNA 1; plus strand). Cytogenetic location: 2q31.2.
Variant type: single nucleotide variant.
Coding change: c.104822C>A on transcript NM_001267550.2 (MANE Select); coding-DNA position 104822, C replaced by A.
Protein change: p.Ala34941Asp; replaces alanine 34941 with aspartic acid.
Molecular consequence: missense variant.
Genome position (GRCh38, 1-based): chr2:178,531,793, G>T on the plus strand (C>A on the coding strand, the complement: TTN is on the minus strand). VCF-style: chr2-178531793-G-T. GRCh37 (hg19) VCF-style: chr2-179396520-G-T.
Other names: c.99899C>A, p.Ala33300Asp (NM_001256850.1); c.77627C>A, p.Ala25876Asp (NM_003319.4); c.97118C>A, p.Ala32373Asp (NM_133378.4); c.78002C>A, p.Ala26001Asp (NM_133432.3); c.78203C>A, p.Ala26068Asp (NM_133437.4); short protein forms A34941D, A26001D, A25876D, A26068D, A32373D, A33300D.
Identifiers: ClinVar variation 466734 (VCV000466734.3), dbSNP rs1445357252, ClinGen allele CA349410825.